The following is an entry in ClinVar:

NM_018489.3(ASH1L):c.188A>G (p.Asp63Gly)

Gene: ASH1L (ASH1 like histone lysine methyltransferase; minus strand). Cytogenetic location: 1q22.
Variant type: single nucleotide variant.
Coding change: c.188A>G on transcript NM_018489.3 (MANE Select); coding-DNA position 188, A replaced by G.
Protein change: p.Asp63Gly; replaces aspartic acid 63 with glycine.
Molecular consequence: missense variant.
Genome position (GRCh38, 1-based): chr1:155,521,332, T>C on the plus strand (A>G on the coding strand, the complement: ASH1L is on the minus strand). VCF-style: chr1-155521332-T-C. GRCh37 (hg19) VCF-style: chr1-155491123-T-C.
Other names: c.188A>G, p.Asp63Gly (NM_001366177.2); short protein forms D63G.
Identifiers: ClinVar variation 3952517 (VCV003952517.5).

ClinVar aggregate classification (germline): Conflicting classifications of pathogenicity. Review status: criteria provided, conflicting classifications (1 of 4 stars). 2 submissions from 2 submitters: Uncertain significance (1); Likely benign (1). Last evaluated 2026-03-01.

Conditions:
Inborn genetic diseases. Identifiers: MedGen C0950123, MeSH D030342.

gnomAD v4.1: 7 of 1,614,078 alleles (0.00043%); highest among the groups gnomAD compares: Admixed American, 0.0067%; no homozygotes.

Submissions (2):

CeGaT Center for Human Genetics Tuebingen
Classification: Likely benign. Last evaluated: 2026-03-01. Review status: criteria provided, single submitter. Criteria: CeGaT Center For Human Genetics Tuebingen Variant Classification Criteria Version 2. Collection method: clinical testing. Allele origin: germline. Affected: yes. Observed: 1 variant allele.
Comment: ASH1L: BP4

Ambry Genetics
Classification: Uncertain significance for Inborn genetic diseases. Last evaluated: 2025-05-17. Review status: criteria provided, single submitter. Criteria: Ambry Variant Classification Scheme 2023. Collection method: clinical testing. Allele origin: germline.